The following is an entry in ClinVar:

ClinVar aggregate classification (germline): Uncertain significance. Review status: criteria provided, multiple submitters, no conflicts (2 of 4 stars). 2 submissions from 2 submitters: Uncertain significance (2). Last evaluated 2025-12-24.

Conditions:
Hereditary cancer-predisposing syndrome. Also called: Hereditary neoplastic syndrome; Neoplastic Syndromes, Hereditary; Tumor predisposition; Hereditary Cancer Syndrome. Identifiers: Orphanet 140162, MedGen C0027672, MeSH D009386, MONDO:0015356.
Neuroblastoma, susceptibility to, 3. Also called: ALK-Related Neuroblastic Tumor Susceptibility. Identifiers: Orphanet 635, MedGen C2751681, MONDO:0013083, OMIM 613014.

Allele frequency attached by ClinVar (database versions not stated): gnomAD exomes below 0.00001.
gnomAD v4.1: 2 of 1,614,198 alleles (0.00012%); highest among the groups gnomAD compares: Admixed American, 0.0017%; no homozygotes.

Submissions (2):

Labcorp Genetics (formerly Invitae), Labcorp
Classification: Uncertain significance for Neuroblastoma, susceptibility to, 3. Last evaluated: 2025-12-24. Review status: criteria provided, single submitter. Criteria: Invitae Variant Classification Sherloc (09022015). Collection method: clinical testing. Allele origin: germline.
Comment: This sequence change replaces lysine, which is basic and polar, with arginine, which is basic and polar, at codon 1524 of the ALK protein (p.Lys1524Arg). This variant is not present in population databases (gnomAD no frequency). This variant has not been reported in the literature in individuals affected with ALK-related conditions. ClinVar contains an entry for this variant (Variation ID: 1000602). An algorithm developed to predict the effect of missense changes on protein structure and function outputs the following: PolyPhen-2: "Benign". The arginine amino acid residue is found in multiple mammalian species, which suggests that this missense change does not adversely affect protein function. In summary, the available evidence is currently insufficient to determine the role of this variant in disease. Therefore, it has been classified as a Variant of Uncertain Significance.

Ambry Genetics
Classification: Uncertain significance for Hereditary cancer-predisposing syndrome. Last evaluated: 2025-01-20. Review status: criteria provided, single submitter. Criteria: Ambry Variant Classification Scheme 2023. Collection method: clinical testing. Allele origin: germline.
Comment: The p.K1524R variant (also known as c.4571A>G), located in coding exon 29 of the ALK gene, results from an A to G substitution at nucleotide position 4571. The lysine at codon 1524 is replaced by arginine, an amino acid with highly similar properties. This amino acid position is conserved. In addition, this alteration is predicted to be tolerated by in silico analysis. Since supporting evidence is limited at this time, the clinical significance of this alteration remains unclear.

NM_004304.5(ALK):c.4571A>G (p.Lys1524Arg)

Gene: ALK (ALK receptor tyrosine kinase; minus strand). Cytogenetic location: 2p23.2.
Variant type: single nucleotide variant.
Coding change: c.4571A>G on transcript NM_004304.5 (MANE Select); coding-DNA position 4571, A replaced by G.
Protein change: p.Lys1524Arg; replaces lysine 1524 with arginine.
Molecular consequence: missense variant.
Genome position (GRCh38, 1-based): chr2:29,193,516, T>C on the plus strand (A>G on the coding strand, the complement: ALK is on the minus strand). VCF-style: chr2-29193516-T-C. GRCh37 (hg19) VCF-style: chr2-29416382-T-C.
Other names: c.1367A>G, p.Lys456Arg (NM_001353765.2); c.4571A>G (NM_004304.4); short protein forms K1524R, K456R.
Identifiers: ClinVar variation 1000602 (VCV001000602.11), dbSNP rs1668935395, ClinGen allele CA346460734.